The following is an entry in ClinVar:

NM_000454.5(SOD1):c.259A>G (p.Asn87Asp)

Gene: SOD1 (superoxide dismutase 1; plus strand). Cytogenetic location: 21q22.11.
Variant type: single nucleotide variant.
Coding change: c.259A>G on transcript NM_000454.5 (MANE Select); coding-DNA position 259, A replaced by G.
Protein change: p.Asn87Asp; replaces asparagine 87 with aspartic acid.
Molecular consequence: missense variant.
Genome position (GRCh38, 1-based): chr21:31,667,277, A>G. VCF-style: chr21-31667277-A-G. GRCh37 (hg19) VCF-style: chr21-33039590-A-G.
Other names: short protein forms N87D.
Identifiers: ClinVar variation 4997707 (VCV004997707.1).

ClinVar aggregate classification (germline): Uncertain significance (1 of 4 stars; one submission).

Conditions:
SOD1-related disorder. Also called: SOD1-related condition.

Submission:

PreventionGenetics, part of Exact Sciences
Classification: Uncertain significance for SOD1-related condition. Last evaluated: 2025-01-22. Review status: criteria provided, single submitter. Criteria: ACMG Guidelines, 2015. Collection method: clinical testing. Allele origin: germline.
Comment: The SOD1 c.259A>G variant is predicted to result in the amino acid substitution p.Asn87Asp. This variant, also referred to as p.Asn86Asp using legacy nomenclature, has been reported in an individual with amyotrophic lateral sclerosis (ALS), though clinical information was not provided (Table S2, Byström et al. 2010. PubMed ID: 20189984). In vitro functional studies demonstrate that expression of this variant in HEK293 cells resulted in a weak interaction with Derlin-1, which results in the disruption of the endoplasmic reticulum-associated degradation (ERAD) pathway (Fujisawa et al. 2012. PubMed ID: 23280792). This variant has not been reported in a large population database (gnomAD), indicating this variant is rare. Different missense changes impacting the same amino acid (c.260A>G, p.Asn87Ser and c.260A>T, p.Asn87Ile) have been reported in individuals with ALS (Edgar et al. 2021. PubMed ID: 34404558; Table S4, Chen et al. 2021. PubMed ID: 34544842). At this time, the clinical significance of the c.259A>G (p.Asn87Asp) variant is uncertain due to the absence of conclusive functional and genetic evidence.